The following is an entry in ClinVar:

NM_020831.6(MRTFA):c.1889A>G (p.Lys630Arg)

Gene: MRTFA (myocardin related transcription factor A; minus strand). Cytogenetic location: 22q13.1.
Variant type: single nucleotide variant.
Coding change: c.1889A>G on transcript NM_020831.6 (MANE Select); coding-DNA position 1889, A replaced by G.
Protein change: p.Lys630Arg; replaces lysine 630 with arginine.
Molecular consequence: missense variant.
Genome position (GRCh38, 1-based): chr22:40,418,849, T>C on the plus strand (A>G on the coding strand, the complement: MRTFA is on the minus strand). VCF-style: chr22-40418849-T-C. GRCh37 (hg19) VCF-style: chr22-40814853-T-C.
Other names: c.1589A>G, p.Lys530Arg (NM_001282660.2); c.1739A>G, p.Lys580Arg (NM_001282661.3); c.1889A>G, p.Lys630Arg (NM_001282662.3); c.1694A>G, p.Lys565Arg (NM_001318139.2); c.1589A>G (NM_020831.3); short protein forms K580R, K565R, K630R, K530R.
Identifiers: ClinVar variation 3661025 (VCV003661025.3).

ClinVar aggregate classification (germline): Uncertain significance. Review status: criteria provided, multiple submitters, no conflicts (2 of 4 stars). 2 submissions from 2 submitters: Uncertain significance (2). Last evaluated 2025-08-28.

Submissions (2):

Ambry Genetics
Classification: Uncertain significance. Last evaluated: 2025-08-28. Review status: criteria provided, single submitter. Criteria: Ambry Variant Classification Scheme 2023. Collection method: clinical testing. Allele origin: germline.

Labcorp Genetics (formerly Invitae), Labcorp
Classification: Uncertain significance. Last evaluated: 2024-07-31. Review status: criteria provided, single submitter. Criteria: Invitae Variant Classification Sherloc (09022015). Collection method: clinical testing. Allele origin: germline.
Comment: This sequence change replaces lysine, which is basic and polar, with arginine, which is basic and polar, at codon 530 of the MKL1 protein (p.Lys530Arg). This variant is present in population databases (no rsID available, gnomAD 0.0009%). This variant has not been reported in the literature in individuals affected with MKL1-related conditions. An algorithm developed to predict the effect of missense changes on protein structure and function (PolyPhen-2) suggests that this variant is likely to be disruptive. In summary, the available evidence is currently insufficient to determine the role of this variant in disease. Therefore, it has been classified as a Variant of Uncertain Significance.